The following is an entry in ClinVar:

NM_001130438.3(SPTAN1):c.1566G>C (p.Lys522Asn)

Gene: SPTAN1 (spectrin alpha, non-erythrocytic 1; plus strand). Cytogenetic location: 9q34.11.
Variant type: single nucleotide variant.
Coding change: c.1566G>C on transcript NM_001130438.3 (MANE Select); coding-DNA position 1566, G replaced by C.
Protein change: p.Lys522Asn; replaces lysine 522 with asparagine.
Molecular consequence: missense variant.
Genome position (GRCh38, 1-based): chr9:128,581,886, G>C. VCF-style: chr9-128581886-G-C. GRCh37 (hg19) VCF-style: chr9-131344165-G-C.
Other names: c.1566G>C, p.Lys522Asn (NM_001195532.2, NM_001363759.2, NM_001363765.2 and 5 more transcripts); c.1602G>C, p.Lys534Asn (NM_001375312.2, NM_001375318.1); short protein forms K522N, K534N.
Identifiers: ClinVar variation 3345238 (VCV003345238.1).

ClinVar aggregate classification (germline): Uncertain significance (0 of 4 stars; one submission).

Conditions:
SPTAN1-related disorder. Also called: SPTAN1-related disorders; SPTAN1-related condition.

gnomAD v4.1: 1 of 1,610,622 alleles (0.000062%); highest among the groups gnomAD compares: Non-Finnish European, 0.000085%; no homozygotes.

Submission:

PreventionGenetics, part of Exact Sciences
Classification: Uncertain significance for SPTAN1-related condition. Last evaluated: 2024-05-02. Review status: no assertion criteria provided. Collection method: clinical testing. Allele origin: germline.
Comment: The SPTAN1 c.1566G>C variant is predicted to result in the amino acid substitution p.Lys522Asn. To our knowledge, this variant has not been reported in the literature or in a large population database, indicating this variant is rare. At this time, the clinical significance of this variant is uncertain due to the absence of conclusive functional and genetic evidence.